The following is an entry in ClinVar:

ClinVar aggregate classification (germline): Likely benign (0 of 4 stars; one submission).

Conditions:
MED13-related disorder. Also called: MED13-related condition.

Submission:

PreventionGenetics, part of Exact Sciences
Classification: Likely benign for MED13-related condition. Last evaluated: 2022-03-16. Review status: no assertion criteria provided. Collection method: clinical testing. Allele origin: germline.
Comment: This variant is classified as likely benign based on ACMG/AMP sequence variant interpretation guidelines (Richards et al. 2015 PMID: 25741868, with internal and published modifications).

NM_005121.3(MED13):c.301+10A>G

Gene: MED13 (mediator complex subunit 13; minus strand). Cytogenetic location: 17q23.2.
Variant type: single nucleotide variant.
Coding change: c.301+10A>G on transcript NM_005121.3 (MANE Select); 10 bases into the intron after coding-DNA position 301, A replaced by G.
Molecular consequence: intron variant.
Genome position (GRCh38, 1-based): chr17:62,063,057, T>C on the plus strand (A>G on the coding strand, the complement: MED13 is on the minus strand). VCF-style: chr17-62063057-T-C. GRCh37 (hg19) VCF-style: chr17-60140418-T-C.
Identifiers: ClinVar variation 3048274 (VCV003048274.2), dbSNP rs2509226680, ClinGen allele CA2740093878.